The following is an entry in ClinVar:

ClinVar aggregate classification (germline): Benign (1 of 4 stars; one submission).

Conditions:
Spondyloepiphyseal dysplasia with congenital joint dislocations (SEDCJD). Also called: Chondrodysplasia with Congenital Joint Dislocations, CHST3-Related. Identifiers: Orphanet 263463, MedGen C1837657, MONDO:0007738, OMIM 143095.

Allele frequency attached by ClinVar (database versions not stated): gnomAD 0.00011 and 0.00055; TOPMed 0.00017; 1000 Genomes Project 30x 0.00375; 1000 Genomes Project 0.00439.

Submission:

Illumina Laboratory Services, Illumina
Classification: Benign for Spondyloepiphyseal dysplasia with congenital joint dislocations. Last evaluated: 2018-01-13. Review status: criteria provided, single submitter. Criteria: ICSL Variant Classification Criteria 13 December 2019. Collection method: clinical testing. Allele origin: germline.
Comment: This variant was observed in the ICSL laboratory as part of a predisposition screen in an ostensibly healthy population. It had not been previously curated by ICSL or reported in the Human Gene Mutation Database (HGMD: prior to June 1st, 2018), and was therefore a candidate for classification through an automated scoring system. Utilizing variant allele frequency, disease prevalence and penetrance estimates, and inheritance mode, an automated score was calculated to assess if this variant is too frequent to cause the disease. Based on the score and internal cut-off values, a variant classified as benign is not then subjected to further curation. The score for this variant resulted in a classification of benign for this disease.

NM_004273.5(CHST3):c.*4300G>A

Gene: CHST3 (carbohydrate sulfotransferase 3; plus strand). Cytogenetic location: 10q22.1.
Variant type: single nucleotide variant.
Coding change: c.*4300G>A on transcript NM_004273.5 (MANE Select); 4300 bases downstream of the stop codon, G replaced by A.
Molecular consequence: 3 prime UTR variant.
Genome position (GRCh38, 1-based): chr10:72,012,771, G>A. VCF-style: chr10-72012771-G-A. GRCh37 (hg19) VCF-style: chr10-73772529-G-A.
Identifiers: ClinVar variation 880321 (VCV000880321.4), dbSNP rs141062797, ClinGen allele CA209480648.